The following is an entry in ClinVar:

ClinVar aggregate classification (germline): Likely pathogenic (1 of 4 stars; one submission).

Conditions:
Tuberous sclerosis 1 (TSC1). Identifiers: Orphanet 805, MedGen C1854465, MONDO:0008612, OMIM 191100.

Submission:

Labcorp Genetics (formerly Invitae), Labcorp
Classification: Likely pathogenic for Tuberous sclerosis 1. Last evaluated: 2019-07-12. Review status: criteria provided, single submitter. Criteria: Invitae Variant Classification Sherloc (09022015). Collection method: clinical testing. Allele origin: germline.
Comment: This variant is a deletion of the genomic region encompassing exon 17 and part of exon 18 (c.2042-177_2266del) of the TSC1 gene. It is expected to disrupt RNA splicing and likely results in an absent or disrupted protein product. This variant has not been reported in the literature in individuals with TSC1-related conditions. Loss-of-function variants in TSC1 are known to be pathogenic (PMID: 10227394, 17304050). In summary, the currently available evidence indicates that the variant is pathogenic, but additional data are needed to prove that conclusively. Therefore, this variant has been classified as Likely Pathogenic.

NM_000368.5(TSC1):c.2042-177_2266del

Gene: TSC1 (TSC complex subunit 1; minus strand). Cytogenetic location: 9q34.13.
Variant type: Deletion.
Coding change: c.2042-177_2266del on transcript NM_000368.5 (MANE Select); 177 bases into the intron before coding-DNA position 2042 through coding-DNA position 2266, 1,265 bases deleted.
Molecular consequence: splice acceptor variant, splice donor variant.
Genome position (GRCh38, 1-based): chr9:132,902,730-132,903,994, 1,265 bases deleted. GRCh37 (hg19): chr9:135,778,120-135,779,384.
Other names: c.1679-177_1903del (NM_001362177.2); c.1889-177_2113del (NM_001162427.2); c.2039-177_2263del (NM_001162426.2).
Identifiers: ClinVar variation 945513 (VCV000945513.1), ClinGen allele CA1139661269.